The following is an entry in ClinVar:

NM_015028.4(TNIK):c.1101C>T (p.Ala367=)

Genes: TNIK (TRAF2 and NCK interacting kinase; minus strand), LOC123230410 (Sharpr-MPRA regulatory region 1564; plus strand). Cytogenetic location: 3q26.2.
Variant type: single nucleotide variant.
Coding change: c.1101C>T on transcript NM_015028.4 (MANE Select); coding-DNA position 1101, C replaced by T.
Protein change: p.Ala367=; no amino-acid change (alanine 367 retained).
Molecular consequence: synonymous variant.
Genome position (GRCh38, 1-based): chr3:171,157,580, G>A on the plus strand (C>T on the coding strand, the complement: TNIK is on the minus strand). VCF-style: chr3-171157580-G-A. GRCh37 (hg19) VCF-style: chr3-170875369-G-A.
Other names: c.1101C>T, p.Ala367= (NM_001161560.3, NM_001161561.3, NM_001161562.3 and 4 more transcripts).
Identifiers: ClinVar variation 5038459 (VCV005038459.1).
Genomic context (GRCh38, chr3:171,157,580, plus strand): 5'-CAGCTGCCGCTTGTGCTCCTCATTCTCCCGCTGCTGCTGCTCCAGCTGCTGCCTCCGTAG[G>A]GCCTCAGAACGCTCCTTGTTGGCCAGCTGCAGCCTCAGAAAGTCCCTCCGCAGCGTCGAC-3'
Protein context (NP_055843.1, residues 357-377): LQLANKERSE[Ala367=]LRRQQLEQQQ

ClinVar aggregate classification (germline): Likely benign (1 of 4 stars; one submission).

gnomAD v4.1: 92 of 1,558,480 alleles (0.0059%); highest among the groups gnomAD compares: Admixed American, 0.095%; 2 homozygotes.

Submission:

CeGaT Center for Human Genetics Tuebingen
Classification: Likely benign. Last evaluated: 2026-06-01. Review status: criteria provided, single submitter. Criteria: CeGaT Center For Human Genetics Tuebingen Variant Classification Criteria Version 2. Collection method: clinical testing. Allele origin: germline. Affected: yes. Observed: 1 variant allele.
Comment: TNIK: BP4, BP7